The following is an entry in ClinVar:

ClinVar aggregate classification (germline): Pathogenic (1 of 4 stars; one submission).

Conditions:
Duchenne muscular dystrophy (DMD). Also called: MUSCULAR DYSTROPHY, PSEUDOHYPERTROPHIC PROGRESSIVE, DUCHENNE TYPE; Duchenne Muscular Dystrophy (DMD). Identifiers: Orphanet 98896, MedGen C0013264, MONDO:0010679, OMIM 310200.

Submission:

Labcorp Genetics (formerly Invitae), Labcorp
Classification: Pathogenic for Duchenne muscular dystrophy. Last evaluated: 2021-12-18. Review status: criteria provided, single submitter. Criteria: Invitae Variant Classification Sherloc (09022015). Collection method: clinical testing. Allele origin: germline.
Comment: This variant has not been reported in the literature in individuals affected with DMD-related conditions. For these reasons, this variant has been classified as Pathogenic. This variant is not present in population databases (gnomAD no frequency). This sequence change creates a premature translational stop signal (p.Ala1547Serfs*7) in the DMD gene. It is expected to result in an absent or disrupted protein product. Loss-of-function variants in DMD are known to be pathogenic (PMID: 16770791, 25007885).

Literature cited by the submitters: PubMed 16770791; PubMed 25007885.

NM_004006.3(DMD):c.4638dup (p.Ala1547fs)

Gene: DMD (dystrophin; minus strand). Cytogenetic location: Xp21.1.
Variant type: Duplication.
Coding change: c.4638dup on transcript NM_004006.3 (MANE Select); coding-DNA position 4638, one base duplicated (A; older notation c.4638dupA).
Protein change: p.Ala1547fs; shifts the reading frame from alanine 1547.
Molecular consequence: frameshift variant.
Genome position (GRCh38, 1-based): chrX:32,386,346, T duplicated on the plus strand (A on the coding strand, the reverse complement: DMD is on the minus strand). VCF-style (leftmost placement, unchanged base first): chrX-32386345-C-CT. GRCh37 (hg19) VCF-style: chrX-32404462-C-CT.
Other names: c.4614dup, p.Ala1539fs (NM_000109.4); c.4626dup, p.Ala1543fs (NM_004009.3); c.4269dup, p.Ala1424fs (NM_004010.3); c.615dup, p.Ala206fs (NM_004011.4); c.606dup, p.Ala203fs (NM_004012.4); short protein forms A1424fs, A1539fs, A1543fs, A1547fs, A203fs, A206fs.
Identifiers: ClinVar variation 2046337 (VCV002046337.4), dbSNP rs2523040871, ClinGen allele CA2580100690.
Genomic context (GRCh38, chrX:32,386,345, plus strand): 5'-GTTTGTGGTCTCAGCATGCACACACCTTTGCTCCCAGCTCATTATAATGCAATTTCAAAG[C>CT]TGTTACTCTTTCATCAAGTTCTTTGGGATTTTCCGTCTGCTTTTTCTGTACAATCTGACG-3'